The following is an entry in ClinVar:

ClinVar aggregate classification (germline): Likely pathogenic (1 of 4 stars; one submission).

Conditions:
Congenital hyperammonemia, type I. Also called: Carbamoyl phosphate synthetase I deficiency disease; CPS I DEFICIENCY; Carbamoyl phosphate synthetase 1 deficiency; Hyperammonemia due to carbamoyl phosphate synthetase 1 deficiency; CPS 1 deficiency; Carbamyl phosphate synthetase (CPS) deficiency. Identifiers: Orphanet 147, MedGen C4082171, MONDO:0009376, OMIM 237300.

Submission:

Natera, Inc.
Classification: Likely pathogenic for Carbamoyl-phosphate synthase I deficiency. Last evaluated: 2025-07-11. Review status: criteria provided, single submitter. Criteria: Natera Variant Classification Schema (03/2026). Collection method: clinical testing. Allele origin: germline.
Comment: The c.2533del variant in CPS1 is a frameshift variant predicted to shift the reading frame beginning at codon 845 and leads to a stop codon 41 codons downstream. This variant is expected to result in nonsense mediated decay, truncation, or a dysfunctional protein product. This variant is rare in the general population with a frequency below the threshold expected for the associated phenotype(s). Given the available evidence, this variant is classified as Likely Pathogenic.

NM_001875.5(CPS1):c.2533del (p.Glu845fs)

Gene: CPS1 (carbamoyl-phosphate synthase 1; plus strand). Cytogenetic location: 2q34.
Variant type: Deletion.
Coding change: c.2533del on transcript NM_001875.5 (MANE Select); coding-DNA position 2533, one base deleted (G; older notation c.2533delG).
Protein change: p.Glu845fs; shifts the reading frame from glutamic acid 845.
Molecular consequence: frameshift variant. On other transcripts: non-coding transcript variant (2).
Genome position (GRCh38, 1-based): chr2:210,612,258, G deleted. VCF-style (leftmost placement, unchanged base first): chr2-210612257-TG-T. GRCh37 (hg19) VCF-style: chr2-211476981-TG-T.
Other names: c.2533del, p.Glu845fs (NM_001122633.3, NM_001369257.1); c.2566del, p.Glu856fs (NM_001369256.1); c.2533delG, p.Glu845Asnfs (NM_001875.4); short protein forms E845fs, E856fs.
Identifiers: ClinVar variation 4814957 (VCV004814957.1).